The following is an entry in ClinVar:

ClinVar aggregate classification (germline): Uncertain significance. Review status: criteria provided, multiple submitters, no conflicts (2 of 4 stars). 2 submissions from 2 submitters: Uncertain significance (2). Last evaluated 2024-11-25.

Conditions:
Inborn genetic diseases. Identifiers: MedGen C0950123, MeSH D030342.

Allele frequency attached by ClinVar (database versions not stated): ExAC 0.00001; gnomAD 0.00003; 1000 Genomes Project 0.00020; 1000 Genomes Project 30x 0.00031.
gnomAD v4.1: 8 of 1,613,246 alleles (0.0005%); highest among the groups gnomAD compares: Admixed American, 0.01%; no homozygotes.

Submissions (2):

Ambry Genetics
Classification: Uncertain significance for Inborn genetic diseases. Last evaluated: 2024-11-25. Review status: criteria provided, single submitter. Criteria: Ambry Variant Classification Scheme 2023. Collection method: clinical testing. Allele origin: germline.

Labcorp Genetics (formerly Invitae), Labcorp
Classification: Uncertain significance. Last evaluated: 2022-08-21. Review status: criteria provided, single submitter. Criteria: Invitae Variant Classification Sherloc (09022015). Collection method: clinical testing. Allele origin: germline.
Comment: This sequence change replaces serine, which is neutral and polar, with cysteine, which is neutral and slightly polar, at codon 957 of the HPS5 protein (p.Ser957Cys). This variant is present in population databases (rs200529277, gnomAD 0.006%). This variant has not been reported in the literature in individuals affected with HPS5-related conditions. Algorithms developed to predict the effect of missense changes on protein structure and function are either unavailable or do not agree on the potential impact of this missense change (SIFT: "Tolerated"; PolyPhen-2: "Probably Damaging"; Align-GVGD: "Class C0"). In summary, the available evidence is currently insufficient to determine the role of this variant in disease. Therefore, it has been classified as a Variant of Uncertain Significance.

NM_181507.2(HPS5):c.2869A>T (p.Ser957Cys)

Gene: HPS5 (HPS5 biogenesis of lysosomal organelles complex 2 subunit 2; minus strand). Cytogenetic location: 11p15.1.
Variant type: single nucleotide variant.
Coding change: c.2869A>T on transcript NM_181507.2 (MANE Select); coding-DNA position 2869, A replaced by T.
Protein change: p.Ser957Cys; replaces serine 957 with cysteine.
Molecular consequence: missense variant.
Genome position (GRCh38, 1-based): chr11:18,285,428, T>A on the plus strand (A>T on the coding strand, the complement: HPS5 is on the minus strand). VCF-style: chr11-18285428-T-A. GRCh37 (hg19) VCF-style: chr11-18306975-T-A.
Other names: c.2527A>T, p.Ser843Cys (NM_007216.4, NM_181508.2); short protein forms S843C, S957C.
Identifiers: ClinVar variation 2078544 (VCV002078544.2), dbSNP rs200529277, ClinGen allele CA5909708.